The following is an entry in ClinVar:

NM_201631.4(TGM5):c.509A>G (p.Gln170Arg)

Gene: TGM5 (transglutaminase 5; minus strand). Cytogenetic location: 15q15.2.
Variant type: single nucleotide variant.
Coding change: c.509A>G on transcript NM_201631.4 (MANE Select); coding-DNA position 509, A replaced by G.
Protein change: p.Gln170Arg; replaces glutamine 170 with arginine.
Molecular consequence: missense variant.
Genome position (GRCh38, 1-based): chr15:43,256,614, T>C on the plus strand (A>G on the coding strand, the complement: TGM5 is on the minus strand). VCF-style: chr15-43256614-T-C. GRCh37 (hg19) VCF-style: chr15-43548812-T-C.
Other names: c.263A>G, p.Gln88Arg (NM_004245.4); short protein forms Q170R, Q88R.
Identifiers: ClinVar variation 887704 (VCV000887704.4), dbSNP rs115121346, ClinGen allele CA7521331.
Genomic context (GRCh38, chr15:43,256,614, plus strand): 5'-GGGCTGAGACTCACCTGTCCATAGTTCCAGGGACATGGGCGGATCCAGTTCTTGCTGCCT[T>C]GGTAGATGAAGCCATAATCATTCATGACATACTCCTGCCTCTGGGGTTCACTGTCCAAGT-3'
Protein context (NP_963925.2, residues 160-180): YVMNDYGFIY[Gln170Arg]GSKNWIRPCP

ClinVar aggregate classification (germline): Likely benign (1 of 4 stars; one submission).

Conditions:
Acral peeling skin syndrome. Also called: Peeling skin syndrome 2. Identifiers: Orphanet 263534, MedGen C1853354, MONDO:0012345, OMIM 609796.

Allele frequency attached by ClinVar (database versions not stated): gnomAD 0.00009 and 0.00011; gnomAD exomes 0.00009 and 0.00037; TOPMed 0.00013; ExAC 0.00029; 1000 Genomes Project 30x 0.00031; 1000 Genomes Project 0.00040.
gnomAD v4.1: 143 of 1,614,138 alleles (0.0089%); highest among the groups gnomAD compares: East Asian, 0.31%; 2 homozygotes.

Submission:

Illumina Laboratory Services, Illumina
Classification: Likely benign for Acral peeling skin syndrome. Last evaluated: 2018-01-13. Review status: criteria provided, single submitter. Criteria: ICSL Variant Classification Criteria 13 December 2019. Collection method: clinical testing. Allele origin: germline.
Comment: This variant was observed in the ICSL laboratory as part of a predisposition screen in an ostensibly healthy population. It had not been previously curated by ICSL or reported in the Human Gene Mutation Database (HGMD: prior to June 1st, 2018), and was therefore a candidate for classification through an automated scoring system. Utilizing variant allele frequency, disease prevalence and penetrance estimates, and inheritance mode, an automated score was calculated to assess if this variant is too frequent to cause the disease. Based on the score and internal cut-off values, a variant classified as likely benign is not then subjected to further curation. The score for this variant resulted in a classification of likely benign for this disease.